The following is an entry in ClinVar:

NM_005228.5(EGFR):c.1995C>T (p.Gly665=)

Gene: EGFR (epidermal growth factor receptor; plus strand). Cytogenetic location: 7p11.2.
Variant type: single nucleotide variant.
Coding change: c.1995C>T on transcript NM_005228.5 (MANE Select); coding-DNA position 1995, C replaced by T.
Protein change: p.Gly665=; no amino-acid change (glycine 665 retained).
Molecular consequence: synonymous variant.
Genome position (GRCh38, 1-based): chr7:55,173,058, C>T. VCF-style: chr7-55173058-C-T. GRCh37 (hg19) VCF-style: chr7-55240751-C-T.
Other names: c.1860C>T, p.Gly620= (NM_001346897.2, NM_001346899.2); c.1995C>T, p.Gly665= (NM_001346898.2); c.1836C>T, p.Gly612= (NM_001346900.2); c.1194C>T, p.Gly398= (NM_001346941.2); c.1995C>T (NM_005228.3).
Identifiers: ClinVar variation 1117846 (VCV001117846.32), dbSNP rs1383165136, ClinGen allele CA454977907.

ClinVar aggregate classification (germline): Likely benign. Review status: criteria provided, multiple submitters, no conflicts (2 of 4 stars). 3 submissions from 3 submitters: Likely benign (3). Last evaluated 2025-10-17.

Conditions:
EGFR-related lung cancer (EGFR). Identifiers: MedGen CN130014.
Hereditary cancer-predisposing syndrome. Also called: Neoplastic Syndromes, Hereditary; Tumor predisposition; Hereditary neoplastic syndrome; Hereditary Cancer Syndrome. Identifiers: Orphanet 140162, MedGen C0027672, MeSH D009386, MONDO:0015356.

Allele frequency attached by ClinVar (database versions not stated): gnomAD exomes below 0.00001 and 0.00001.
gnomAD v4.1: 13 of 1,613,774 alleles (0.00081%); highest among the groups gnomAD compares: Non-Finnish European, 0.001%; no homozygotes.

Submissions (3):

Labcorp Genetics (formerly Invitae), Labcorp
Classification: Likely benign for EGFR-related lung cancer. Last evaluated: 2025-10-17. Review status: criteria provided, single submitter. Criteria: Invitae Variant Classification Sherloc (09022015). Collection method: clinical testing. Allele origin: germline.

Ambry Genetics
Classification: Likely benign for Hereditary cancer-predisposing syndrome. Last evaluated: 2024-12-28. Review status: criteria provided, single submitter. Criteria: Ambry Variant Classification Scheme 2023. Collection method: clinical testing. Allele origin: germline.

CeGaT Center for Human Genetics Tuebingen
Classification: Likely benign. Last evaluated: 2024-02-01. Review status: criteria provided, single submitter. Criteria: CeGaT Center For Human Genetics Tuebingen Variant Classification Criteria Version 2. Collection method: clinical testing. Allele origin: germline. Affected: yes. Observed: 1 variant allele.
Comment: EGFR: BP4, BP7